The following is an entry in ClinVar:

NM_012431.3(SEMA3E):c.1932A>G (p.Leu644=)

Gene: SEMA3E (semaphorin 3E; minus strand). Cytogenetic location: 7q21.11.
Variant type: single nucleotide variant.
Coding change: c.1932A>G on transcript NM_012431.3 (MANE Select); coding-DNA position 1932, A replaced by G.
Protein change: p.Leu644=; no amino-acid change (leucine 644 retained).
Molecular consequence: synonymous variant.
Genome position (GRCh38, 1-based): chr7:83,367,982, T>C on the plus strand (A>G on the coding strand, the complement: SEMA3E is on the minus strand). VCF-style: chr7-83367982-T-C. GRCh37 (hg19) VCF-style: chr7-82997298-T-C.
Other names: c.1932A>G (NM_012431.2); c.1752A>G, p.Leu584= (NM_001178129.2).
Identifiers: ClinVar variation 2056822 (VCV002056822.6), dbSNP rs1794697965, ClinGen allele CA456344254.

ClinVar aggregate classification (germline): Likely benign. Review status: criteria provided, single submitter (1 of 4 stars). 2 submissions from 2 submitters: Likely benign (1). 1 of the submissions does not count toward it. Last evaluated 2022-09-15.

Conditions:
SEMA3E-related disorder. Also called: SEMA3E-related condition.
CHARGE syndrome (CHARGE). Also called: Hittner Hirsch Kreh syndrome; CHARGE ASSOCIATION--COLOBOMA, HEART ANOMALY, CHOANAL ATRESIA, RETARDATION, GENITAL AND EAR ANOMALIES; Coloboma, heart anomaly, choanal atresia, retardation, genital and ear anomalies; CHARGE association; Hall-Hittner syndrome. Identifiers: Orphanet 138, MedGen C0265354, MONDO:0008965.

Submissions (2):

Labcorp Genetics (formerly Invitae), Labcorp
Classification: Likely benign for CHARGE syndrome. Last evaluated: 2022-09-15. Review status: criteria provided, single submitter. Criteria: Invitae Variant Classification Sherloc (09022015). Collection method: clinical testing. Allele origin: germline.

PreventionGenetics, part of Exact Sciences
Classification: Likely benign for SEMA3E-related condition. Last evaluated: 2022-02-09. Review status: no assertion criteria provided. Collection method: clinical testing. Allele origin: germline. Not counted in ClinVar's aggregate classification.
Comment: This variant is classified as likely benign based on ACMG/AMP sequence variant interpretation guidelines (Richards et al. 2015 PMID: 25741868, with internal and published modifications).